The following is an entry in ClinVar:

NM_020937.4(FANCM):c.4447G>C (p.Asp1483His)

Gene: FANCM (FA complementation group M; plus strand). Cytogenetic location: 14q21.2.
Variant type: single nucleotide variant.
Coding change: c.4447G>C on transcript NM_020937.4 (MANE Select); coding-DNA position 4447, G replaced by C.
Protein change: p.Asp1483His; replaces aspartic acid 1483 with histidine.
Molecular consequence: missense variant.
Genome position (GRCh38, 1-based): chr14:45,183,834, G>C. VCF-style: chr14-45183834-G-C. GRCh37 (hg19) VCF-style: chr14-45653037-G-C.
Other names: c.4369G>C, p.Asp1457His (NM_001308133.2); short protein forms D1483H, D1457H.
Identifiers: ClinVar variation 940942 (VCV000940942.9), dbSNP rs1889215664, ClinGen allele CA389607697.

ClinVar aggregate classification (germline): Uncertain significance (1 of 4 stars; one submission).

Conditions:
Fanconi anemia (FA). Also called: Fanconi's anemia. Identifiers: Orphanet 84, MedGen C0015625, MeSH D005199, MONDO:0019391.

Submission:

Labcorp Genetics (formerly Invitae), Labcorp
Classification: Uncertain significance for Fanconi anemia. Last evaluated: 2024-10-07. Review status: criteria provided, single submitter. Criteria: Invitae Variant Classification Sherloc (09022015). Collection method: clinical testing. Allele origin: germline.
Comment: This sequence change replaces aspartic acid, which is acidic and polar, with histidine, which is basic and polar, at codon 1483 of the FANCM protein (p.Asp1483His). This variant is not present in population databases (gnomAD no frequency). This variant has not been reported in the literature in individuals affected with FANCM-related conditions. ClinVar contains an entry for this variant (Variation ID: 940942). An algorithm developed to predict the effect of missense changes on protein structure and function (PolyPhen-2) suggests that this variant is likely to be tolerated. Algorithms developed to predict the effect of sequence changes on RNA splicing suggest that this variant may disrupt the consensus splice site. In summary, the available evidence is currently insufficient to determine the role of this variant in disease. Therefore, it has been classified as a Variant of Uncertain Significance.